The following is an entry in ClinVar:

NM_001395159.1(UNC79):c.5039T>C (p.Ile1680Thr)

Gene: UNC79 (unc-79 subunit of NALCN channel complex; plus strand). Cytogenetic location: 14q32.12.
Variant type: single nucleotide variant.
Coding change: c.5039T>C on transcript NM_001395159.1 (MANE Select); coding-DNA position 5039, T replaced by C.
Protein change: p.Ile1680Thr; replaces isoleucine 1680 with threonine.
Molecular consequence: missense variant.
Genome position (GRCh38, 1-based): chr14:93,622,056, T>C. VCF-style: chr14-93622056-T-C. GRCh37 (hg19) VCF-style: chr14-94088402-T-C.
Other names: c.4973T>C, p.Ile1658Thr (NM_001346218.2); c.4292T>C, p.Ile1431Thr (NM_020818.5); c.4292T>C (NM_020818.3); short protein forms I1431T, I1658T, I1680T.
Identifiers: ClinVar variation 3600493 (VCV003600493.2).

ClinVar aggregate classification (germline): Uncertain significance. Review status: criteria provided, multiple submitters, no conflicts (2 of 4 stars). 2 submissions from 2 submitters: Uncertain significance (2). Last evaluated 2025-05-30.

Conditions:
UNC79-related neurodevelopmental disorder.
Inborn genetic diseases. Identifiers: MedGen C0950123, MeSH D030342.

gnomAD v4.1: 60 of 1,614,014 alleles (0.0037%); highest among the groups gnomAD compares: Non-Finnish European, 0.0048%; no homozygotes.

Submissions (2):

Ambry Genetics
Classification: Uncertain significance for Inborn genetic diseases. Last evaluated: 2025-05-30. Review status: criteria provided, single submitter. Criteria: Ambry Variant Classification Scheme 2023. Collection method: clinical testing. Allele origin: germline.

Clinical Genomics Laboratory, Washington University in St. Louis
Classification: Uncertain significance for UNC79-related neurodevelopmental disorder. Last evaluated: 2024-11-17. Review status: criteria provided, single submitter. Criteria: ACMG Guidelines, 2015. Collection method: clinical testing. Allele origin: germline.
Comment: The UNC79 c.4973T>C (p.Ile1658Thr) variant, to our knowledge, has not been reported in the medical literature and is absent from the general population (gnomAD v.2.1.1), indicating it is not a common variant. Computational predictors are uncertain as to the impact of this variant on UNC79 function. Due to limited information, the clinical significance of this variant is uncertain.